The following is an entry in ClinVar:

NM_177438.3(DICER1):c.773G>T (p.Gly258Val)

Gene: DICER1 (dicer 1, ribonuclease III; minus strand). Cytogenetic location: 14q32.13.
Variant type: single nucleotide variant.
Coding change: c.773G>T on transcript NM_177438.3 (MANE Select); coding-DNA position 773, G replaced by T.
Protein change: p.Gly258Val; replaces glycine 258 with valine.
Molecular consequence: missense variant.
Genome position (GRCh38, 1-based): chr14:95,126,710, C>A on the plus strand (G>T on the coding strand, the complement: DICER1 is on the minus strand). VCF-style: chr14-95126710-C-A. GRCh37 (hg19) VCF-style: chr14-95593047-C-A.
Other names: c.773G>T, p.Gly258Val (NM_001195573.1, NM_001271282.3, NM_001291628.2 and 1 more transcripts); short protein forms G258V.
Identifiers: ClinVar variation 315113 (VCV000315113.23), dbSNP rs188327838, ClinGen allele CA7331569.

ClinVar aggregate classification (germline): Conflicting classifications of pathogenicity. Review status: criteria provided, conflicting classifications (1 of 4 stars). 5 submissions from 5 submitters: Uncertain significance (3); Benign (1); Likely benign (1). Last evaluated 2026-01-26.

Conditions:
DICER1-related tumor predisposition. Also called: DICER1-related pleuropulmonary blastoma cancer predisposition syndrome; DICER1 syndrome. Identifiers: Orphanet 284343, MedGen C3839822, MONDO:0100216.
DICER1-related disorder. Also called: DICER1-related condition.
Hereditary cancer-predisposing syndrome. Also called: Hereditary Cancer Syndrome; Neoplastic Syndromes, Hereditary; Tumor predisposition; Hereditary neoplastic syndrome. Identifiers: Orphanet 140162, MedGen C0027672, MeSH D009386, MONDO:0015356.

Allele frequency attached by ClinVar (database versions not stated): gnomAD 0.00002; TOPMed 0.00002; gnomAD exomes 0.00005 and 0.00009; ExAC 0.00013; 1000 Genomes Project 30x 0.00016; 1000 Genomes Project 0.00020.
gnomAD v4.1: 80 of 1,610,922 alleles (0.005%); highest among the groups gnomAD compares: Non-Finnish European, 0.0058%; no homozygotes.

Submissions (5):

Labcorp Genetics (formerly Invitae), Labcorp
Classification: Likely benign for DICER1-related tumor predisposition. Last evaluated: 2026-01-26. Review status: criteria provided, single submitter. Criteria: Invitae Variant Classification Sherloc (09022015). Collection method: clinical testing. Allele origin: germline.

PreventionGenetics, part of Exact Sciences
Classification: Uncertain significance for DICER1-related condition. Last evaluated: 2025-08-01. Review status: criteria provided, single submitter. Criteria: ACMG Guidelines, 2015. Collection method: clinical testing. Allele origin: germline.
Comment: The DICER1 c.773G>T variant is predicted to result in the amino acid substitution p.Gly258Val. To our knowledge, this variant has not been reported in individuals with DICER1-associated disorders in the literature. This variant is reported in 0.015% of alleles in individuals of European (Non-Finnish) descent in gnomAD and has conflicting classifications of pathogenicity from benign to uncertain significance in ClinVar (Variation ID: 315113). Although we suspect that this variant may be benign, at this time, the clinical significance of this variant is uncertain due to the absence of conclusive functional and genetic evidence.

Ambry Genetics
Classification: Uncertain significance for Hereditary cancer-predisposing syndrome. Last evaluated: 2024-11-27. Review status: criteria provided, single submitter. Criteria: Ambry Variant Classification Scheme 2023. Collection method: clinical testing. Allele origin: germline.

GeneDx
Classification: Uncertain significance. Last evaluated: 2023-05-09. Review status: criteria provided, single submitter. Criteria: GeneDx Variant Classification Process June 2021. Collection method: clinical testing. Allele origin: germline. Affected: yes.
Comment: In silico analysis supports that this missense variant does not alter protein structure/function; Has not been previously published as pathogenic or benign to our knowledge

Illumina Laboratory Services, Illumina
Classification: Benign for Pleuropulmonary blastoma. Last evaluated: 2018-01-13. Review status: criteria provided, single submitter. Criteria: ICSL Variant Classification Criteria 13 December 2019. Collection method: clinical testing. Allele origin: germline.
Comment: This variant was observed in the ICSL laboratory as part of a predisposition screen in an ostensibly healthy population. It had not been previously curated by ICSL or reported in the Human Gene Mutation Database (HGMD: prior to June 1st, 2018), and was therefore a candidate for classification through an automated scoring system. Utilizing variant allele frequency, disease prevalence and penetrance estimates, and inheritance mode, an automated score was calculated to assess if this variant is too frequent to cause the disease. Based on the score and internal cut-off values, a variant classified as benign is not then subjected to further curation. The score for this variant resulted in a classification of benign for this disease.